The following is an entry in ClinVar:

NM_000784.4(CYP27A1):c.33G>A (p.Trp11Ter)

Gene: CYP27A1 (cytochrome P450 family 27 subfamily A member 1; plus strand). Cytogenetic location: 2q35.
Variant type: single nucleotide variant.
Coding change: c.33G>A on transcript NM_000784.4 (MANE Select); coding-DNA position 33, G replaced by A.
Protein change: p.Trp11Ter; replaces tryptophan 11 with a stop codon.
Molecular consequence: nonsense.
Genome position (GRCh38, 1-based): chr2:218,782,215, G>A. VCF-style: chr2-218782215-G-A. GRCh37 (hg19) VCF-style: chr2-219646938-G-A.
Other names: short protein forms W11*.
Identifiers: ClinVar variation 809159 (VCV000809159.46), dbSNP rs1319938730, ClinGen allele CA350575424.

ClinVar aggregate classification (germline): Pathogenic/Likely pathogenic. Review status: criteria provided, multiple submitters, no conflicts (2 of 4 stars). 3 submissions from 3 submitters: Pathogenic (1); Likely pathogenic (2). Last evaluated 2025-12-03.

Conditions:
Cholestanol storage disease (CTX). Also called: Cerebrotendinous Xanthomatosis; CTX: Cerebrotendinous xanthomatosis; CEREBRAL CHOLESTERINOSIS. Identifiers: Orphanet 909, MedGen C0238052, MONDO:0008948, OMIM 213700.

Allele frequency attached by ClinVar (database versions not stated): gnomAD exomes 0.00001.
gnomAD v4.1: 5 of 1,539,974 alleles (0.00032%); highest among the groups gnomAD compares: Non-Finnish European, 0.00044%; no homozygotes.

Submissions (3):

Labcorp Genetics (formerly Invitae), Labcorp
Classification: Pathogenic for Cholestanol storage disease. Last evaluated: 2025-12-03. Review status: criteria provided, single submitter. Criteria: Invitae Variant Classification Sherloc (09022015). Collection method: clinical testing. Allele origin: germline.
Comment: This sequence change creates a premature translational stop signal (p.Trp11*) in the CYP27A1 gene. It is expected to result in an absent or disrupted protein product. Loss-of-function variants in CYP27A1 are known to be pathogenic (PMID: 9392430, 10775536, 26937392). This variant is present in population databases (no rsID available, gnomAD 0.002%). This variant has not been reported in the literature in individuals affected with CYP27A1-related conditions. ClinVar contains an entry for this variant (Variation ID: 809159). For these reasons, this variant has been classified as Pathogenic.

Fulgent Genetics
Classification: Likely pathogenic for Cholestanol storage disease. Last evaluated: 2024-06-22. Review status: criteria provided, single submitter. Criteria: ACMG Guidelines, 2015. Collection method: clinical testing. Allele origin: germline.

CeGaT Center for Human Genetics Tuebingen
Classification: Likely pathogenic. Last evaluated: 2016-06-01. Review status: criteria provided, single submitter. Criteria: CeGaT Center For Human Genetics Tuebingen Variant Classification Criteria Version 2. Collection method: clinical testing. Allele origin: germline. Affected: yes. Observed: 1 variant allele.

Literature cited by the submitters: PubMed 9392430 (cited by Labcorp Genetics (formerly Invitae), Labcorp); PubMed 10775536 (cited by Labcorp Genetics (formerly Invitae), Labcorp); PubMed 26937392 (cited by Labcorp Genetics (formerly Invitae), Labcorp).